The following is an entry in ClinVar:

ClinVar aggregate classification (germline): Uncertain significance (1 of 4 stars; one submission).

Conditions:
Hereditary cancer-predisposing syndrome. Also called: Neoplastic Syndromes, Hereditary; Tumor predisposition; Hereditary neoplastic syndrome; Hereditary Cancer Syndrome. Identifiers: Orphanet 140162, MedGen C0027672, MeSH D009386, MONDO:0015356.

Submission:

Labcorp Genetics (formerly Invitae), Labcorp
Classification: Uncertain significance for Hereditary cancer-predisposing syndrome. Last evaluated: 2021-11-25. Review status: criteria provided, single submitter. Criteria: Invitae Variant Classification Sherloc (09022015). Collection method: clinical testing. Allele origin: germline.
Comment: This sequence change replaces lysine, which is basic and polar, with asparagine, which is neutral and polar, at codon 461 of the RAD50 protein (p.Lys461Asn). This variant is not present in population databases (gnomAD no frequency). This variant has not been reported in the literature in individuals affected with RAD50-related conditions. Algorithms developed to predict the effect of missense changes on protein structure and function (SIFT, PolyPhen-2, Align-GVGD) all suggest that this variant is likely to be tolerated. In summary, the available evidence is currently insufficient to determine the role of this variant in disease. Therefore, it has been classified as a Variant of Uncertain Significance.

NM_005732.4(RAD50):c.1383G>T (p.Lys461Asn)

Gene: RAD50 (RAD50 double strand break repair protein; plus strand). Cytogenetic location: 5q31.1.
Variant type: single nucleotide variant.
Coding change: c.1383G>T on transcript NM_005732.4 (MANE Select); coding-DNA position 1383, G replaced by T.
Protein change: p.Lys461Asn; replaces lysine 461 with asparagine.
Molecular consequence: missense variant.
Genome position (GRCh38, 1-based): chr5:132,589,768, G>T. VCF-style: chr5-132589768-G-T. GRCh37 (hg19) VCF-style: chr5-131925460-G-T.
Other names: short protein forms K461N.
Identifiers: ClinVar variation 1386003 (VCV001386003.6), dbSNP rs1580993520, ClinGen allele CA360944477.